The following is an entry in ClinVar:

ClinVar aggregate classification (germline): Likely pathogenic. Review status: criteria provided, single submitter (1 of 4 stars). 2 submissions from 2 submitters: Likely pathogenic (1). 1 of the submissions does not count toward it. Last evaluated 2024-02-21.

Conditions:
FANCM-related disorder. Also called: FANCM-related condition.

Allele frequency attached by ClinVar (database versions not stated): TOPMed 0.00001; gnomAD exomes below 0.00001.
gnomAD v4.1: 1 of 1,614,188 alleles (0.000062%); highest among the groups gnomAD compares: Admixed American, 0.0017%; no homozygotes.

Submissions (2):

GeneDx
Classification: Likely pathogenic. Last evaluated: 2024-02-21. Review status: criteria provided, single submitter. Criteria: GeneDx Variant Classification Process June 2021. Collection method: clinical testing. Allele origin: germline. Affected: yes.
Comment: Nonsense variant predicted to result in protein truncation or nonsense mediated decay in a gene for which loss-of-function is a known mechanism of disease; Not observed at a significant frequency in large population cohorts (gnomAD); Observed in an individual with severe aplastic anemia (PMID: 35776903); This variant is associated with the following publications: (PMID: 35776903)

PreventionGenetics, part of Exact Sciences
Classification: Likely pathogenic for FANCM-related condition. Last evaluated: 2023-12-28. Review status: no assertion criteria provided. Collection method: clinical testing. Allele origin: germline. Not counted in ClinVar's aggregate classification.
Comment: The FANCM c.5047A>T variant is predicted to result in premature protein termination (p.Lys1683*). This variant has been reported in an individual with Aplastic anemia (McReynolds et al. 2022. PubMed ID: 35776903. Table S2A). This variant is reported in 0.0029% of alleles in individuals of Latino descent in gnomAD. Nonsense variants in FANCM are expected to be pathogenic. This variant is interpreted as likely pathogenic.

NM_020937.4(FANCM):c.5047A>T (p.Lys1683Ter)

Gene: FANCM (FA complementation group M; plus strand). Cytogenetic location: 14q21.2.
Variant type: single nucleotide variant.
Coding change: c.5047A>T on transcript NM_020937.4 (MANE Select); coding-DNA position 5047, A replaced by T.
Protein change: p.Lys1683Ter; replaces lysine 1683 with a stop codon.
Molecular consequence: nonsense.
Genome position (GRCh38, 1-based): chr14:45,189,069, A>T. VCF-style: chr14-45189069-A-T. GRCh37 (hg19) VCF-style: chr14-45658272-A-T.
Other names: c.4969A>T, p.Lys1657Ter (NM_001308133.2); c.5047A>T (NM_020937.3); short protein forms K1657*, K1683*.
Identifiers: ClinVar variation 1201281 (VCV001201281.5), dbSNP rs1213350464, ClinGen allele CA389612137.